The following is an entry in ClinVar:

NM_000038.6(APC):c.2902A>G (p.Ser968Gly)

Gene: APC (APC regulator of Wnt signaling pathway; plus strand). Cytogenetic location: 5q22.2.
Variant type: single nucleotide variant.
Coding change: c.2902A>G on transcript NM_000038.6 (MANE Select); coding-DNA position 2902, A replaced by G.
Protein change: p.Ser968Gly; replaces serine 968 with glycine.
Molecular consequence: missense variant.
Genome position (GRCh38, 1-based): chr5:112,838,496, A>G. VCF-style: chr5-112838496-A-G. GRCh37 (hg19) VCF-style: chr5-112174193-A-G.
Other names: c.2902A>G, p.Ser968Gly (NM_001127510.3, NM_001354895.2, NM_001407450.1); c.2848A>G, p.Ser950Gly (NM_001127511.3); c.2956A>G, p.Ser986Gly (NM_001354896.2, NM_001407447.1, NM_001407448.1 and 1 more transcripts); c.2932A>G, p.Ser978Gly (NM_001354897.2); c.2827A>G, p.Ser943Gly (NM_001354898.2); c.2818A>G, p.Ser940Gly (NM_001354899.2); c.2779A>G, p.Ser927Gly (NM_001354900.2); c.2725A>G, p.Ser909Gly (NM_001354901.2, NM_001407453.1); and 11 more; short protein forms S584G, S685G, S808G, S839G, S842G, S867G, S877G, S885G.
Identifiers: ClinVar variation 1718423 (VCV001718423.6), dbSNP rs2149879817, ClinGen allele CA16027668.

ClinVar aggregate classification (germline): Uncertain significance (1 of 4 stars; one submission).

Conditions:
Familial adenomatous polyposis 1 (FAP1). Also called: FAMILIAL ADENOMATOUS POLYPOSIS 1, ATTENUATED; POLYPOSIS, ADENOMATOUS INTESTINAL. Identifiers: MedGen C2713442, MONDO:0021056, OMIM 175100. Disease mechanism: loss of function.

Submission:

Labcorp Genetics (formerly Invitae), Labcorp
Classification: Uncertain significance for Familial adenomatous polyposis 1. Last evaluated: 2022-08-31. Review status: criteria provided, single submitter. Criteria: Invitae Variant Classification Sherloc (09022015). Collection method: clinical testing. Allele origin: germline.
Comment: In summary, the available evidence is currently insufficient to determine the role of this variant in disease. Therefore, it has been classified as a Variant of Uncertain Significance. Algorithms developed to predict the effect of missense changes on protein structure and function (SIFT, PolyPhen-2, Align-GVGD) all suggest that this variant is likely to be tolerated. This variant has not been reported in the literature in individuals affected with APC-related conditions. This variant is not present in population databases (gnomAD no frequency). This sequence change replaces serine, which is neutral and polar, with glycine, which is neutral and non-polar, at codon 968 of the APC protein (p.Ser968Gly).